The following is an entry in ClinVar:

ClinVar aggregate classification (germline): Conflicting classifications of pathogenicity. Review status: criteria provided, conflicting classifications (1 of 4 stars). 4 submissions from 4 submitters: Likely pathogenic (1); Uncertain significance (3). Last evaluated 2026-08-28.

Conditions:
PRKCG-related disorder. Also called: PRKCG-related condition.
Spinocerebellar ataxia type 14 (SCA14). Identifiers: Orphanet 98763, MedGen C1854369, MONDO:0011540, OMIM 605361.

Allele frequency attached by ClinVar (database versions not stated): gnomAD 0.00001; gnomAD exomes 0.00001 and 0.00002.
gnomAD v4.1: 22 of 1,574,968 alleles (0.0014%); highest among the groups gnomAD compares: South Asian, 0.0058%; no homozygotes.

Submissions (4):

PreventionGenetics, part of Exact Sciences
Classification: Uncertain significance for PRKCG-related condition. Last evaluated: 2026-08-28. Review status: criteria provided, single submitter. Criteria: ACMG Guidelines, 2015. Collection method: clinical testing. Allele origin: germline.
Comment: The PRKCG c.1883C>T variant is predicted to result in the amino acid substitution p.Pro628Leu. This variant has been reported in an individual with neuromuscular disease (Table S1, Börklü-Yücel et al. 2020. PubMed ID: 32140910). This variant is present in 0.012% of alleles in individuals of South Asian descent in gnomAD. At this time, the clinical significance of this variant is uncertain due to the absence of conclusive functional and genetic evidence.

Dasa
Classification: Uncertain significance. Last evaluated: 2025-01-23. Review status: criteria provided, single submitter. Criteria: DASA Assertion Criteria. Collection method: clinical testing. Allele origin: germline.
Comment: NM_002739.5(PRKCG):c.1883C>T (p.Pro628Leu) is a missense variant that results in the substitution of proline with leucine. This variant is rare in population databases. Computational prediction algorithms are consistent with a benign effect. The currently available literature and clinical evidence are not sufficient to establish a definitive association between this variant and the reported condition. Therefore, this variant is classified as a variant of uncertain significance.

Genetic Diseases Diagnostic Center, Koc University Hospital
Classification: Likely pathogenic for Spinocerebellar ataxia type 14. Last evaluated: 2018-12-18. Review status: criteria provided, single submitter. Criteria: ACMG Guidelines, 2015. Collection method: clinical testing. Allele origin: de novo. Inheritance: Autosomal dominant inheritance. Affected: yes.

Illumina Laboratory Services, Illumina
Classification: Uncertain significance for Spinocerebellar ataxia type 14. Last evaluated: 2018-01-13. Review status: criteria provided, single submitter. Criteria: ICSL Variant Classification Criteria 13 December 2019. Collection method: clinical testing. Allele origin: germline.

NM_002739.5(PRKCG):c.1883C>T (p.Pro628Leu)

Gene: PRKCG (protein kinase C gamma; plus strand). Cytogenetic location: 19q13.42.
Variant type: single nucleotide variant.
Coding change: c.1883C>T on transcript NM_002739.5 (MANE Select); coding-DNA position 1883, C replaced by T.
Protein change: p.Pro628Leu; replaces proline 628 with leucine.
Molecular consequence: missense variant.
Genome position (GRCh38, 1-based): chr19:53,906,435, C>T. VCF-style: chr19-53906435-C-T. GRCh37 (hg19) VCF-style: chr19-54409689-C-T.
Other names: c.1883C>T (NM_002739.4); c.1883C>T, p.Pro628Leu (NM_001316329.2); short protein forms P628L.
Identifiers: ClinVar variation 617542 (VCV000617542.9), dbSNP rs1303074743, ClinGen allele CA407420249.